The following is an entry in ClinVar:

NM_000051.4(ATM):c.3113T>A (p.Val1038Glu)

Gene: ATM (ATM serine/threonine kinase; plus strand). Cytogenetic location: 11q22.3.
Variant type: single nucleotide variant.
Coding change: c.3113T>A on transcript NM_000051.4 (MANE Select); coding-DNA position 3113, T replaced by A.
Protein change: p.Val1038Glu; replaces valine 1038 with glutamic acid.
Molecular consequence: missense variant.
Genome position (GRCh38, 1-based): chr11:108,272,567, T>A. VCF-style: chr11-108272567-T-A. GRCh37 (hg19) VCF-style: chr11-108143294-T-A.
Other names: c.3113T>A, p.Val1038Glu (NM_001351834.2); short protein forms V1038E.
Identifiers: ClinVar variation 485194 (VCV000485194.5), dbSNP rs1555085827, ClinGen allele CA382515171.

ClinVar aggregate classification (germline): Uncertain significance (1 of 4 stars; one submission).

Conditions:
Hereditary cancer-predisposing syndrome. Also called: Neoplastic Syndromes, Hereditary; Tumor predisposition; Hereditary Cancer Syndrome; Hereditary neoplastic syndrome. Identifiers: Orphanet 140162, MedGen C0027672, MeSH D009386, MONDO:0015356.

Submission:

Ambry Genetics
Classification: Uncertain significance for Hereditary cancer-predisposing syndrome. Last evaluated: 2016-06-01. Review status: criteria provided, single submitter. Criteria: Ambry Variant Classification Scheme 2023. Collection method: clinical testing. Allele origin: germline.
Comment: The p.V1038E variant (also known as c.3113T>A), located in coding exon 20 of the ATM gene, results from a T to A substitution at nucleotide position 3113. The valine at codon 1038 is replaced by glutamic acid, an amino acid with dissimilar properties. This variant was not reported in population based cohorts in the following databases: Database of Single Nucleotide Polymorphisms (dbSNP), NHLBI Exome Sequencing Project (ESP), and 1000 Genomes Project. In the ESP, this variant was not observed in 6499 samples (12998 alleles) with coverage at this position. To date, this alteration has been detected with an allele frequency of approximately 0.001% (greater than 180000 alleles tested) in our clinical cohort. This amino acid position is highly conserved in available vertebrate species. In addition, this alteration is predicted to be deleterious by in silico analysis. Since supporting evidence is limited at this time, the clinical significance of this alteration remains unclear.